The following is an entry in ClinVar:

NM_000135.4(FANCA):c.862G>T (p.Glu288Ter)

Gene: FANCA (FA complementation group A; minus strand). Cytogenetic location: 16q24.3.
Variant type: single nucleotide variant.
Coding change: c.862G>T on transcript NM_000135.4 (MANE Select); coding-DNA position 862, G replaced by T.
Protein change: p.Glu288Ter; replaces glutamic acid 288 with a stop codon.
Molecular consequence: nonsense.
Genome position (GRCh38, 1-based): chr16:89,799,197, C>A on the plus strand (G>T on the coding strand, the complement: FANCA is on the minus strand). VCF-style: chr16-89799197-C-A. GRCh37 (hg19) VCF-style: chr16-89865605-C-A.
Other names: c.862G>T (NM_000135.3, LRG_495t1); c.862G>T, p.Glu288Ter (NM_001018112.3, NM_001286167.3); c.766G>T, p.Glu256Ter (NM_001351830.2); short protein forms E288*, E256*.
Identifiers: ClinVar variation 134239 (VCV000134239.46), dbSNP rs148100796, ClinGen allele CA159232.

ClinVar aggregate classification (germline): Pathogenic. Review status: criteria provided, multiple submitters, no conflicts (2 of 4 stars). 13 submissions from 13 submitters: Pathogenic (11). 2 of the submissions do not count toward it. Last evaluated 2026-01-13.

Conditions:
FANCA-related disorders.
FANCA-related disorder. Also called: FANCA-related condition.
Fanconi anemia (FA). Also called: Fanconi's anemia. Identifiers: Orphanet 84, MedGen C0015625, MeSH D005199, MONDO:0019391.
Fanconi anemia complementation group A (FANCA). Also called: Fanconi anemia, group A; FANCA-Related Fanconi Anemia. Identifiers: Orphanet 84, MedGen C3469521, MONDO:0009215, OMIM 227650.

Allele frequency attached by ClinVar (database versions not stated): ExAC 0.00003; TOPMed 0.00003; gnomAD 0.00005 and 0.00006; gnomAD exomes 0.00006 and 0.00008; ESP Exome Variant Server 0.00008.
gnomAD v4.1: 121 of 1,614,034 alleles (0.0075%); highest among the groups gnomAD compares: Non-Finnish European, 0.0092%; no homozygotes.

Submissions (13):

Labcorp Genetics (formerly Invitae), Labcorp
Classification: Pathogenic for Fanconi anemia. Last evaluated: 2026-01-13. Review status: criteria provided, single submitter. Criteria: Invitae Variant Classification Sherloc (09022015). Collection method: clinical testing. Allele origin: germline.
Comment: This sequence change creates a premature translational stop signal (p.Glu288*) in the FANCA gene. It is expected to result in an absent or disrupted protein product. Loss-of-function variants in FANCA are known to be pathogenic (PMID: 19367192). This variant is present in population databases (rs148100796, gnomAD 0.01%). This premature translational stop signal has been observed in individuals with Fanconi anemia (PMID: 10521298, 12697994, 22778927). ClinVar contains an entry for this variant (Variation ID: 134239). Algorithms developed to predict the effect of sequence changes on RNA splicing suggest that this variant may disrupt the consensus splice site. For these reasons, this variant has been classified as Pathogenic.

PreventionGenetics, part of Exact Sciences
Classification: Pathogenic for FANCA-related condition. Last evaluated: 2025-09-17. Review status: criteria provided, single submitter. Criteria: ACMG Guidelines, 2015. Collection method: clinical testing. Allele origin: germline.
Comment: The FANCA c.862G>T variant is predicted to result in premature protein termination (p.Glu288*). This variant has been reported previously to be causative for Fanconi anemia (Morgan et al. 1999. PubMed ID: 10521298; Gille et al. 2012. PubMed ID: 22778927). This variant is reported in 0.011% of alleles in individuals of European (Non-Finnish) descent in gnomAD and is interpreted as pathogenic in ClinVar (Variation ID: 134239). Nonsense variants in FANCA are expected to be pathogenic. This variant is interpreted as pathogenic.

Dasa
Classification: Pathogenic. Last evaluated: 2025-09-03. Review status: criteria provided, single submitter. Criteria: DASA Assertion Criteria. Collection method: clinical testing. Allele origin: germline.
Comment: NM_000135.4(FANCA):c.862G>T (p.Glu288*) introduces a premature termination codon predicted to result in loss of normal protein function. Loss-of-function is an established mechanism of disease for this gene. This variant has been observed in affected individuals with related phenotype in a genotype context consistent with recessive disease (PMID: 22778927; PMID: 10521298). This variant has been recurrently observed in individuals with related phenotype (PMID: 22778927; PMID: 10521298). The variant is present at low frequency in population datasets. Based on the available data, this variant is classified as pathogenic.

Natera, Inc.
Classification: Pathogenic for Fanconi anemia. Last evaluated: 2025-04-12. Review status: criteria provided, single submitter. Criteria: Natera Variant Classification Schema (03/2026). Collection method: clinical testing. Allele origin: germline.
Comment: The c.862G>T variant in FANCA is a nonsense variant predicted to introduce a stop codon at amino acid 288. This variant is expected to result in nonsense mediated decay, truncation, or a dysfunctional protein product. This variant is rare in the general population with a frequency below the threshold expected for the associated phenotype(s). This variant has been observed in one or more individuals affected with the associated recessive disease, as either homozygous or compound heterozygous with a second variant (PMID: 29098742). Given the available evidence, this variant is classified as Pathogenic.

Center for Genomic Medicine, Rigshospitalet, Copenhagen University Hospital
Classification: Pathogenic. Last evaluated: 2025-03-04. Review status: criteria provided, single submitter. Criteria: ACMG Guidelines, 2015. Collection method: clinical testing. Allele origin: germline.

GeneDx
Classification: Pathogenic. Last evaluated: 2024-05-08. Review status: criteria provided, single submitter. Criteria: GeneDx Variant Classification Process June 2021. Collection method: clinical testing. Allele origin: germline.
Comment: Nonsense variant predicted to result in protein truncation or nonsense mediated decay in a gene for which loss-of-function is a known mechanism of disease; This variant is associated with the following publications: (PMID: 24728327, 25525159, 10521298, 12697994, 22778927, 31263571, 34308104)

CeGaT Center for Human Genetics Tuebingen
Classification: Pathogenic. Last evaluated: 2024-05-01. Review status: criteria provided, single submitter. Criteria: CeGaT Center For Human Genetics Tuebingen Variant Classification Criteria Version 2. Collection method: clinical testing. Allele origin: germline. Affected: yes. Observed: 1 variant allele.
Comment: FANCA: PVS1, PM2, PM3

Baylor Genetics
Classification: Pathogenic for Fanconi anemia complementation group A. Last evaluated: 2024-03-22. Review status: criteria provided, single submitter. Criteria: ACMG Guidelines, 2015. Collection method: clinical testing. Allele origin: unknown.

Blueprint Genetics
Classification: Pathogenic for FANCA-related disorders. Last evaluated: 2023-07-20. Review status: criteria provided, single submitter. Criteria: ACMG Guidelines, 2015. Collection method: clinical testing. Allele origin: germline. Affected: yes. Observed: 5 variant alleles.

Fulgent Genetics
Classification: Pathogenic for Fanconi anemia complementation group A. Last evaluated: 2021-08-26. Review status: criteria provided, single submitter. Criteria: ACMG Guidelines, 2015. Collection method: clinical testing. Allele origin: unknown.

Genetic Services Laboratory, University of Chicago
Classification: Pathogenic. Last evaluated: 2017-07-28. Review status: criteria provided, single submitter. Criteria: ACMG Guidelines, 2015. Collection method: clinical testing. Allele origin: germline. Affected: yes.
Comment: This sequence change is predicted to result in an abnormal transcript, which may be degraded, or may lead to the production of a truncated FANCA protein with potentially abnormal function. This pathogenic sequence change has previously been described in patients with Fanconi anemia (Morgan NV, et al., 1999; Savino M et al., 1997; De Rocco D et al., 2014; Nicchia E, et al., 2015).

Counsyl
Classification: Pathogenic for Fanconi anemia complementation group A. Last evaluated: 2017-02-21. Review status: no assertion criteria provided. Collection method: clinical testing. Allele origin: unknown. Not counted in ClinVar's aggregate classification.

ITMI
No classification provided. Condition: AllHighlyPenetrant. Last evaluated: 2013-09-19. Review status: no classification provided. Collection method: reference population. Allele origin: germline. Not counted in ClinVar's aggregate classification.
Comment: Please see associated publication for description of ethnicities

Literature cited by the submitters: PubMed 19367192 (cited by Labcorp Genetics (formerly Invitae), Labcorp); PubMed 10521298 (cited by 4 submitters); PubMed 12697994 (cited by Labcorp Genetics (formerly Invitae), Labcorp); PubMed 22778927 (cited by Labcorp Genetics (formerly Invitae), Labcorp and Dasa); PubMed 29098742 (cited by Natera, Inc.); PubMed 31263571 (cited by Center for Genomic Medicine, Rigshospitalet, Copenhagen University Hospital); PubMed 24728327 (cited by ITMI).